The following is an entry in ClinVar:

ClinVar aggregate classification (germline): Likely benign. Review status: criteria provided, multiple submitters, no conflicts (2 of 4 stars). 2 submissions from 2 submitters: Likely benign (2). Last evaluated 2025-08-18.

Conditions:
TTLL5-related disorder. Also called: TTLL5-related condition.

Allele frequency attached by ClinVar (database versions not stated): gnomAD exomes below 0.00001; ExAC 0.00002; gnomAD 0.00006; TOPMed 0.00006; ESP Exome Variant Server 0.00008.
gnomAD v4.1: 14 of 1,614,022 alleles (0.00087%); highest among the groups gnomAD compares: African/African-American, 0.016%; no homozygotes.

Submissions (2):

PreventionGenetics, part of Exact Sciences
Classification: Likely benign for TTLL5-related condition. Last evaluated: 2025-08-18. Review status: criteria provided, single submitter. Criteria: ACMG Guidelines, 2015. Collection method: clinical testing. Allele origin: germline.
Comment: This variant is classified as likely benign based on ACMG/AMP sequence variant interpretation guidelines (Richards et al. 2015 PMID: 25741868, with internal and published modifications).

Labcorp Genetics (formerly Invitae), Labcorp
Classification: Likely benign. Last evaluated: 2024-10-28. Review status: criteria provided, single submitter. Criteria: Invitae Variant Classification Sherloc (09022015). Collection method: clinical testing. Allele origin: germline.

NM_015072.5(TTLL5):c.1650G>A (p.Glu550=)

Gene: TTLL5 (tubulin tyrosine ligase like 5; plus strand). Cytogenetic location: 14q24.3.
Variant type: single nucleotide variant.
Coding change: c.1650G>A on transcript NM_015072.5 (MANE Select); coding-DNA position 1650, G replaced by A.
Protein change: p.Glu550=; no amino-acid change (glutamic acid 550 retained).
Molecular consequence: synonymous variant.
Genome position (GRCh38, 1-based): chr14:75,764,714, G>A. VCF-style: chr14-75764714-G-A. GRCh37 (hg19) VCF-style: chr14-76231057-G-A.
Other names: c.1650G>A (NM_015072.4).
Identifiers: ClinVar variation 1904239 (VCV001904239.6), dbSNP rs374016756, ClinGen allele CA7279477.